The following is an entry in ClinVar:

NM_020919.4(ALS2):c.3047dup (p.Tyr1017fs)

Gene: ALS2 (alsin Rho guanine nucleotide exchange factor ALS2; minus strand). Cytogenetic location: 2q33.1.
Variant type: Duplication.
Coding change: c.3047dup on transcript NM_020919.4 (MANE Select); coding-DNA position 3047, one base duplicated (C; older notation c.3047dupC).
Protein change: p.Tyr1017fs; shifts the reading frame from tyrosine 1017.
Molecular consequence: frameshift variant.
Genome position (GRCh38, 1-based): chr2:201,726,799, G duplicated on the plus strand (C on the coding strand, the reverse complement: ALS2 is on the minus strand); the first of 6 consecutive G bases (chr2:201,726,799-201,726,804); duplicating any one gives the same sequence. VCF-style (leftmost placement, unchanged base first): chr2-201726798-A-AG. GRCh37 (hg19) VCF-style: chr2-202591521-A-AG.
Other names: c.3047dup, p.Tyr1017fs (NM_001410975.1); c.3047dupC (NM_020919.4); short protein forms Y1017fs.
Identifiers: ClinVar variation 2690510 (VCV002690510.3), dbSNP rs538311710, ClinGen allele CA2057991.

ClinVar aggregate classification (germline): Likely pathogenic. Review status: criteria provided, multiple submitters, no conflicts (2 of 4 stars). 2 submissions from 2 submitters: Likely pathogenic (2). Last evaluated 2023-09-04.

Conditions:
ALS2-related motor neuron disease. Identifiers: MedGen CN323278, MONDO:0100227.

Submissions (2):

Molecular Genetics, Royal Melbourne Hospital
Classification: Likely pathogenic for ALS2-related motor neuron disease. Last evaluated: 2023-09-04. Review status: criteria provided, single submitter. Criteria: ACMG Guidelines, 2015. Collection method: clinical testing. Allele origin: germline. Inheritance: Autosomal recessive inheritance. Affected: yes.
Comment: This sequence change in ALS2 is a frameshift variant predicted to cause a premature stop codon, p.(Tyr1017Leufs*5), in biologically relevant exon 18/34 leading to nonsense-mediated decay in a gene in which loss-of-function is an established disease mechanism. This variant is present in a single Ashkenazi Jewish individual from the population database gnomAD v2.1 (1/10,070 alleles), which is consistent with recessive disease. To our knowledge, this variant has not been previously reported in the relevant scientific literature. Based on the classification scheme RMH Modified ACMG/AMP Guidelines v1.6.1, this variant is classified as LIKELY PATHOGENIC. Following criteria are met: PVS1, PM2_Supporting.

Revvity Omics, Revvity
Classification: Likely pathogenic. Last evaluated: 2023-06-13. Review status: criteria provided, single submitter. Criteria: ACMG Guidelines, 2015. Collection method: clinical testing. Allele origin: germline.